The following is an entry in ClinVar:

NM_000057.4(BLM):c.2212A>T (p.Thr738Ser)

Gene: BLM (BLM RecQ like helicase; plus strand). Cytogenetic location: 15q26.1.
Variant type: single nucleotide variant.
Coding change: c.2212A>T on transcript NM_000057.4 (MANE Select); coding-DNA position 2212, A replaced by T.
Protein change: p.Thr738Ser; replaces threonine 738 with serine.
Molecular consequence: missense variant.
Genome position (GRCh38, 1-based): chr15:90,766,928, A>T. VCF-style: chr15-90766928-A-T. GRCh37 (hg19) VCF-style: chr15-91310158-A-T.
Other names: c.2212A>T, p.Thr738Ser (NM_001287246.2, NM_001287247.2); c.1087A>T, p.Thr363Ser (NM_001287248.2); short protein forms T738S, T363S.
Identifiers: ClinVar variation 3991695 (VCV003991695.1).

ClinVar aggregate classification (germline): Uncertain significance (1 of 4 stars; one submission).

Conditions:
Hereditary cancer-predisposing syndrome. Also called: Tumor predisposition; Hereditary neoplastic syndrome; Neoplastic Syndromes, Hereditary; Hereditary Cancer Syndrome. Identifiers: Orphanet 140162, MedGen C0027672, MeSH D009386, MONDO:0015356.

gnomAD v4.1: 1 of 1,598,194 alleles (0.000063%); highest among the groups gnomAD compares: Non-Finnish European, 0.000086%; no homozygotes.

Submission:

Ambry Genetics
Classification: Uncertain significance for Hereditary cancer-predisposing syndrome. Last evaluated: 2025-06-13. Review status: criteria provided, single submitter. Criteria: Ambry Variant Classification Scheme 2023. Collection method: clinical testing. Allele origin: germline.
Comment: The p.T738S variant (also known as c.2212A>T), located in coding exon 9 of the BLM gene, results from an A to T substitution at nucleotide position 2212. The threonine at codon 738 is replaced by serine, an amino acid with similar properties. This amino acid position is conserved. In addition, this alteration is predicted to be tolerated by in silico analysis. Based on the available evidence, the clinical significance of this variant remains unclear.